The following is an entry in ClinVar:

NM_020975.6(RET):c.2519A>G (p.His840Arg)

Gene: RET (ret proto-oncogene; plus strand). Cytogenetic location: 10q11.21.
Variant type: single nucleotide variant.
Coding change: c.2519A>G on transcript NM_020975.6 (MANE Select); coding-DNA position 2519, A replaced by G.
Protein change: p.His840Arg; replaces histidine 840 with arginine.
Molecular consequence: missense variant.
Genome position (GRCh38, 1-based): chr10:43,119,657, A>G. VCF-style: chr10-43119657-A-G. GRCh37 (hg19) VCF-style: chr10-43615105-A-G.
Other names: c.1622A>G, p.His541Arg (NM_001406781.1, NM_001406782.1, NM_001406779.1 and 1 more transcripts); c.1493A>G, p.His498Arg (NM_001406783.1, NM_001406786.1); c.1529A>G, p.His510Arg (NM_001406784.1); c.1502A>G, p.His501Arg (NM_001406785.1); c.1487A>G, p.His496Arg (NM_001406787.1); c.1334A>G, p.His445Arg (NM_001406788.1, NM_001406789.1, NM_001406790.1); c.1214A>G, p.His405Arg (NM_001406791.1); c.1070A>G, p.His357Arg (NM_001406792.1, NM_001406793.1, NM_001406794.1); and 10 more; short protein forms H840R, H586R, H498R, H598R, H752R, H665R, H795R, H797R.
Identifiers: ClinVar variation 821427 (VCV000821427.7), dbSNP rs1588877283, ClinGen allele CA376556435.

ClinVar aggregate classification (germline): Uncertain significance. Review status: criteria provided, multiple submitters, no conflicts (2 of 4 stars). 2 submissions from 2 submitters: Uncertain significance (2). Last evaluated 2023-02-24.

Conditions:
Hereditary cancer-predisposing syndrome. Also called: Neoplastic Syndromes, Hereditary; Tumor predisposition; Hereditary Cancer Syndrome; Hereditary neoplastic syndrome. Identifiers: Orphanet 140162, MedGen C0027672, MeSH D009386, MONDO:0015356.
Multiple endocrine neoplasia, type 2 (MEN2). Identifiers: Orphanet 653, MedGen C4048306, MONDO:0019003. Disease mechanism: gain of function.

Submissions (2):

All of Us Research Program, National Institutes of Health
Classification: Uncertain significance for Multiple endocrine neoplasia, type 2. Last evaluated: 2023-02-24. Review status: criteria provided, single submitter. Criteria: ACMG Guidelines, 2015. Collection method: clinical testing. Allele origin: germline. Inheritance: Autosomal dominant inheritance. Observed: 1 variant allele, 1 heterozygote.
Comment: This missense variant replaces histidine with arginine at codon 840 of the RET protein. Computational prediction suggests that this variant may not impact protein structure and function (internally defined REVEL score threshold <= 0.5, PMID: 27666373). To our knowledge, functional studies have not been reported for this variant. This variant has not been reported in individuals affected with RET-related disorders in the literature. This variant has not been identified in the general population by the Genome Aggregation Database (gnomAD). The available evidence is insufficient to determine the role of this variant in disease conclusively. Therefore, this variant is classified as a Variant of Uncertain Significance.

This study involves interpretation of variants in research participants for the purpose of population health screening. Participant phenotype was not available at the time of variant classification. Additional details can be found in publication PMID: 35346344, PMCID: PMC8962531

Ambry Genetics
Classification: Uncertain significance for Hereditary cancer-predisposing syndrome. Last evaluated: 2019-05-16. Review status: criteria provided, single submitter. Criteria: Ambry Variant Classification Scheme 2023. Collection method: clinical testing. Allele origin: germline.
Comment: The p.H840R variant (also known as c.2519A>G), located in coding exon 14 of the RET gene, results from an A to G substitution at nucleotide position 2519. The histidine at codon 840 is replaced by arginine, an amino acid with highly similar properties. This amino acid position is poorly conserved in available vertebrate species. In addition, this alteration is predicted to be tolerated by in silico analysis. Since supporting evidence is limited at this time, the clinical significance of this alteration remains unclear.